The following is an entry in ClinVar:

NM_020699.4(GATAD2B):c.1526G>C (p.Arg509Pro)

Gene: GATAD2B (GATA zinc finger domain containing 2B; minus strand). Cytogenetic location: 1q21.3.
Variant type: single nucleotide variant.
Coding change: c.1526G>C on transcript NM_020699.4 (MANE Select); coding-DNA position 1526, G replaced by C.
Protein change: p.Arg509Pro; replaces arginine 509 with proline.
Molecular consequence: missense variant.
Genome position (GRCh38, 1-based): chr1:153,812,026, C>G on the plus strand (G>C on the coding strand, the complement: GATAD2B is on the minus strand). VCF-style: chr1-153812026-C-G. GRCh37 (hg19) VCF-style: chr1-153784502-C-G.
Other names: short protein forms R509P.
Identifiers: ClinVar variation 2742867 (VCV002742867.3), dbSNP rs377502166, ClinGen allele CA342581082.

ClinVar aggregate classification (germline): Uncertain significance (1 of 4 stars; one submission).

Submission:

Labcorp Genetics (formerly Invitae), Labcorp
Classification: Uncertain significance. Last evaluated: 2023-08-14. Review status: criteria provided, single submitter. Criteria: Invitae Variant Classification Sherloc (09022015). Collection method: clinical testing. Allele origin: germline.
Comment: This variant has not been reported in the literature in individuals affected with GATAD2B-related conditions. Advanced modeling of protein sequence and biophysical properties (such as structural, functional, and spatial information, amino acid conservation, physicochemical variation, residue mobility, and thermodynamic stability) performed at Invitae indicates that this missense variant is not expected to disrupt GATAD2B protein function. In summary, the available evidence is currently insufficient to determine the role of this variant in disease. Therefore, it has been classified as a Variant of Uncertain Significance. This variant is not present in population databases (gnomAD no frequency). This sequence change replaces arginine, which is basic and polar, with proline, which is neutral and non-polar, at codon 509 of the GATAD2B protein (p.Arg509Pro).